The following is an entry in ClinVar:

ClinVar aggregate classification (germline): Uncertain significance (0 of 4 stars; one submission).

Allele frequency attached by ClinVar (database versions not stated): gnomAD 0.00001; ExAC 0.00002; TOPMed 0.00002; ESP Exome Variant Server 0.00023.
gnomAD v4.1: 2 of 1,613,938 alleles (0.00012%); highest among the groups gnomAD compares: Non-Finnish European, 0.000085%; no homozygotes.

Submission:

Genetic Services Laboratory, University of Chicago
Classification: Uncertain significance. Last evaluated: 2022-07-18. Review status: no assertion criteria provided. Collection method: clinical testing. Allele origin: germline. Affected: no.
Comment: DNA sequence analysis of the ALX4 gene demonstrated a sequence change, c.528C>G, in exon 2 that results in an amino acid change, p.Asp176Glu. This sequence change does not appear to have been previously described in individuals with ALX4-related disorders. This sequence change has been described in the gnomAD database in 3 individuals which corresponds to a population frequency of 0.012% (dbSNP rs376287400). The p.Asp176Glu change affects a highly conserved amino acid residue located in a domain of the ALX4 protein that is not known to be functional. In-silico pathogenicity prediction tools (SIFT, PolyPhen2, Align GVGD, REVEL) provide contradictory results for the p.Asp176Glu substitution. Due to insufficient evidences and the lack of functional studies, the clinical significance of the p.Asp176Glu change remains unknown at this time.

NM_021926.4(ALX4):c.528C>G (p.Asp176Glu)

Gene: ALX4 (ALX homeobox 4; minus strand). Cytogenetic location: 11p11.2.
Variant type: single nucleotide variant.
Coding change: c.528C>G on transcript NM_021926.4 (MANE Select); coding-DNA position 528, C replaced by G.
Protein change: p.Asp176Glu; replaces aspartic acid 176 with glutamic acid.
Molecular consequence: missense variant.
Genome position (GRCh38, 1-based): chr11:44,275,597, G>C on the plus strand (C>G on the coding strand, the complement: ALX4 is on the minus strand). VCF-style: chr11-44275597-G-C. GRCh37 (hg19) VCF-style: chr11-44297147-G-C.
Other names: short protein forms D176E.
Identifiers: ClinVar variation 2443152 (VCV002443152.2), dbSNP rs376287400, ClinGen allele CA5955712.